The following is an entry in ClinVar:

ClinVar aggregate classification (germline): Uncertain significance. Review status: criteria provided, multiple submitters, no conflicts (2 of 4 stars). 2 submissions from 2 submitters: Uncertain significance (2). Last evaluated 2025-06-03.

Conditions:
Cardiovascular phenotype. Identifiers: MedGen CN230736.
Long QT syndrome (LQTS). Identifiers: MedGen C0023976, MeSH D008133, MONDO:0002442. Disease mechanism: loss of function. Inheritance: Various modes of inheritance.

Allele frequency attached by ClinVar (database versions not stated): gnomAD exomes below 0.00001 and 0.00002; gnomAD 0.00003; TOPMed 0.00003; ESP Exome Variant Server 0.00008.
gnomAD v4.1: 37 of 1,613,690 alleles (0.0023%); highest among the groups gnomAD compares: Non-Finnish European, 0.0029%; no homozygotes.

Submissions (2):

Ambry Genetics
Classification: Uncertain significance for Cardiovascular phenotype. Last evaluated: 2025-06-03. Review status: criteria provided, single submitter. Criteria: Ambry Variant Classification Scheme 2023. Collection method: clinical testing. Allele origin: germline.

Labcorp Genetics (formerly Invitae), Labcorp
Classification: Uncertain significance for Long QT syndrome. Last evaluated: 2025-02-02. Review status: criteria provided, single submitter. Criteria: Invitae Variant Classification Sherloc (09022015). Collection method: clinical testing. Allele origin: germline.
Comment: This sequence change replaces leucine, which is neutral and non-polar, with proline, which is neutral and non-polar, at codon 512 of the AKAP9 protein (p.Leu512Pro). This variant is present in population databases (rs376638814, gnomAD 0.004%). This variant has not been reported in the literature in individuals affected with AKAP9-related conditions. ClinVar contains an entry for this variant (Variation ID: 1390874). An algorithm developed to predict the effect of missense changes on protein structure and function (PolyPhen-2) suggests that this variant is likely to be disruptive. In summary, the available evidence is currently insufficient to determine the role of this variant in disease. Therefore, it has been classified as a Variant of Uncertain Significance.

NM_005751.5(AKAP9):c.1535T>C (p.Leu512Pro)

Gene: AKAP9 (A-kinase anchoring protein 9; plus strand). Cytogenetic location: 7q21.2.
Variant type: single nucleotide variant.
Coding change: c.1535T>C on transcript NM_005751.5 (MANE Select); coding-DNA position 1535, T replaced by C.
Protein change: p.Leu512Pro; replaces leucine 512 with proline.
Molecular consequence: missense variant.
Genome position (GRCh38, 1-based): chr7:92,001,452, T>C. VCF-style: chr7-92001452-T-C. GRCh37 (hg19) VCF-style: chr7-91630766-T-C.
Other names: c.1535T>C, p.Leu512Pro (NM_147185.3); c.1535T>C (NM_005751.4); short protein forms L512P.
Identifiers: ClinVar variation 1390874 (VCV001390874.8), dbSNP rs376638814, ClinGen allele CA161907093.